The following is an entry in ClinVar:

NM_006147.4(IRF6):c.*2122T>C

Gene: IRF6 (interferon regulatory factor 6; minus strand). Cytogenetic location: 1q32.2.
Variant type: single nucleotide variant.
Coding change: c.*2122T>C on transcript NM_006147.4 (MANE Select); 2122 bases downstream of the stop codon, T replaced by C.
Molecular consequence: 3 prime UTR variant.
Genome position (GRCh38, 1-based): chr1:209,786,298, A>G on the plus strand (T>C on the coding strand, the complement: IRF6 is on the minus strand). VCF-style: chr1-209786298-A-G. GRCh37 (hg19) VCF-style: chr1-209959643-A-G.
Other names: c.*2122T>C (NM_001206696.2).
Identifiers: ClinVar variation 295176 (VCV000295176.5), dbSNP rs567043500, ClinGen allele CA10609013.

ClinVar aggregate classification (germline): Benign. Review status: criteria provided, single submitter (1 of 4 stars). 2 submissions from 1 submitter: Benign (2). Last evaluated 2018-01-13.

Conditions:
Van der Woude syndrome 1. Also called: CLEFT LIP AND/OR PALATE WITH MUCOUS CYSTS OF LOWER LIP; van der Woude Syndrome (VWS). Identifiers: MedGen C4551864, MONDO:0007333, OMIM 119300.
Orofacial cleft 6, susceptibility to (OFC6). Also called: CLEFT LIP WITH OR WITHOUT CLEFT PALATE, NONSYNDROMIC, 6. Identifiers: MedGen C1837213, MONDO:0012141, OMIM 608864.

Allele frequency attached by ClinVar (database versions not stated): TOPMed 0.00041; 1000 Genomes Project 30x 0.00078; 1000 Genomes Project 0.00100; gnomAD 0.00258 and 0.00274.

Submissions (2):

Illumina Laboratory Services, Illumina
Classification: Benign for Van der Woude syndrome 1. Last evaluated: 2018-01-13. Review status: criteria provided, single submitter. Criteria: ICSL Variant Classification Criteria 13 December 2019. Collection method: clinical testing. Allele origin: germline.
Comment: This variant was observed in the ICSL laboratory as part of a predisposition screen in an ostensibly healthy population. It had not been previously curated by ICSL or reported in the Human Gene Mutation Database (HGMD: prior to June 1st, 2018), and was therefore a candidate for classification through an automated scoring system. Utilizing variant allele frequency, disease prevalence and penetrance estimates, and inheritance mode, an automated score was calculated to assess if this variant is too frequent to cause the disease. Based on the score and internal cut-off values, a variant classified as benign is not then subjected to further curation. The score for this variant resulted in a classification of benign for this disease.

Illumina Laboratory Services, Illumina
Classification: Benign for Orofacial cleft 6, susceptibility to. Last evaluated: 2018-01-13. Review status: criteria provided, single submitter. Criteria: ICSL Variant Classification Criteria 13 December 2019. Collection method: clinical testing. Allele origin: germline.
Comment: the same text as in the submission from Illumina Laboratory Services, Illumina above.